The following continues an entry in ClinVar:

NM_000059.4(BRCA2):c.7712A>G (p.Glu2571Gly)

Gene: BRCA2. ClinVar aggregate classification (germline): Conflicting classifications of pathogenicity. Uncertain significance (8); Benign (1); Likely benign (6).

Submission 17 of 17:

Department of Pathology and Laboratory Medicine, Sinai Health System
Classification: Uncertain significance for Malignant tumor of breast. Review status: no assertion criteria provided. Collection method: clinical testing. Allele origin: unknown. Affected: yes. Study: The Canadian Open Genetics Repository (COGR). Not counted in ClinVar's aggregate classification.
Comment: The p.Glu2571Gly variant was not identified in probands in the literature. The variant was identified in dbSNP (ID: rs55689095) â€šÃ„ÃºWith Uncertain significance allele, LOVD, the ClinVar database (classified with uncertain significance by Ambry Genetics), the BIC database (3X with unknown clinical importance), and UMD (1X as a unclassified variant). The variant was identified by the Exome Variant Server project in 2 of 4406 African American alleles (frequency: 0.0005) and in the 1000 Genomes Project in 1 allele (frequency 0.0005), although this low number of observations and low frequency is not substantive enough to determine its relationship to disease. The p.Glu2571 residue is conserved across mammals, and four out of five computational analyses (PolyPhen-2, SIFT, AlignGVGD, BLOSUM, MutationTaster) suggest that the p.Glu2571Gly variant may impact the protein; however, this information is not predictive enough to assume pathogenicity. An in silico study using a protein likelihood-ratio model predicted the variant to be neutral (Karchin 2012). The variant occurs outside of the splicing consensus sequence and in silico or computational prediction software programs (SpliceSiteFinder, MaxEntScan, NNSPLICE, GeneSplicer, HumanSpliceFinder) do not predict a difference in splicing. In summary, based on the above information, the clinical significance of this variant cannot be determined with certainty at this time. This variant is classified as a variant of unknown significance.

Literature cited by the submitters: PubMed 19043619 (cited by Women's Health and Genetics/Laboratory Corporation of America, LabCorp and Quest Diagnostics Nichols Institute San Juan Capistrano); PubMed 19491284 (cited by Women's Health and Genetics/Laboratory Corporation of America, LabCorp and Quest Diagnostics Nichols Institute San Juan Capistrano); PubMed 26577449 (cited by Women's Health and Genetics/Laboratory Corporation of America, LabCorp and Quest Diagnostics Nichols Institute San Juan Capistrano); PubMed 28814288 (cited by Women's Health and Genetics/Laboratory Corporation of America, LabCorp); PubMed 29884841 (cited by Women's Health and Genetics/Laboratory Corporation of America, LabCorp and Quest Diagnostics Nichols Institute San Juan Capistrano); PubMed 29394989 (cited by 3 submitters); PubMed 31871109 (cited by Women's Health and Genetics/Laboratory Corporation of America, LabCorp and Quest Diagnostics Nichols Institute San Juan Capistrano); PubMed 33609447 (cited by Women's Health and Genetics/Laboratory Corporation of America, LabCorp and Quest Diagnostics Nichols Institute San Juan Capistrano); PubMed 35264596 (cited by Women's Health and Genetics/Laboratory Corporation of America, LabCorp); PubMed 35736817 (cited by Women's Health and Genetics/Laboratory Corporation of America, LabCorp); PubMed 36329109 (cited by Women's Health and Genetics/Laboratory Corporation of America, LabCorp and Genetics Program, Instituto Nacional de Cancer); PubMed 33726785 (cited by Women's Health and Genetics/Laboratory Corporation of America, LabCorp and Quest Diagnostics Nichols Institute San Juan Capistrano); PubMed 38641594 (cited by Women's Health and Genetics/Laboratory Corporation of America, LabCorp); PubMed 10923033 (cited by Quest Diagnostics Nichols Institute San Juan Capistrano); DOI 10.3389/fgene.2022.834265 (cited by National Health Laboratory Service, Universitas Academic Hospital and University of the Free State).